The following is an entry in ClinVar:

ClinVar aggregate classification (germline): Pathogenic. Review status: criteria provided, multiple submitters, no conflicts (2 of 4 stars). 11 submissions from 11 submitters: Pathogenic (6). 5 of the submissions do not count toward it. Last evaluated 2026-02-03.

Conditions:
Cardiovascular phenotype. Identifiers: MedGen CN230736.
Dilated cardiomyopathy 1DD (CMD1DD). Identifiers: Orphanet 154, MedGen C2750995, MONDO:0013168, OMIM 613172.

Submissions (11):

Labcorp Genetics (formerly Invitae), Labcorp
Classification: Pathogenic for Dilated cardiomyopathy 1DD. Last evaluated: 2026-02-03. Review status: criteria provided, single submitter. Criteria: Invitae Variant Classification Sherloc (09022015). Collection method: clinical testing. Allele origin: germline.
Comment: This sequence change replaces arginine, which is basic and polar, with tryptophan, which is neutral and slightly polar, at codon 634 of the RBM20 protein (p.Arg634Trp). This variant is not present in population databases (gnomAD no frequency). This missense change has been observed in individuals with dilated cardiomyopathy (DCM) (PMID: 20590677, 29447731, 29540472, 29895960, 30557877). It has also been observed to segregate with disease in related individuals. ClinVar contains an entry for this variant (Variation ID: 411653). Invitae Evidence Modeling of protein sequence and biophysical properties (such as structural, functional, and spatial information, amino acid conservation, physicochemical variation, residue mobility, and thermodynamic stability) indicates that this missense variant is not expected to disrupt RBM20 protein function with a negative predictive value of 95%. Experimental studies have shown that this missense change affects RBM20 function (PMID: 29895960). This variant disrupts the p.Arg634 amino acid residue in RBM20. Other variant(s) that disrupt this residue have been determined to be pathogenic (PMID: 19712804, 20590677, 22466703, 29029073). This suggests that this residue is clinically significant, and that variants that disrupt this residue are likely to be disease-causing. For these reasons, this variant has been classified as Pathogenic.

Dasa
Classification: Pathogenic. Last evaluated: 2024-12-20. Review status: criteria provided, single submitter. Criteria: DASA Assertion Criteria. Collection method: clinical testing. Allele origin: germline.
Comment: NM_001134363.3(RBM20):c.1900C>T (p.Arg634Trp) is a missense variant that results in the substitution of arginine with tryptophan. The affected residue or protein region has prior evidence supporting clinical relevance. Segregation evidence has been reported in affected families. Functional evidence supports a deleterious effect on the gene or gene product (PMID: 34021826; PMID: 30557877; PMID: 35463915; PMID: 29895960; PMID: 32674065). This variant has been recurrently observed in individuals with related phenotype (PMID: 34021826; PMID: 30557877; PMID: 35463915; PMID: 29895960; PMID: 32674065). The variant is present at low frequency in population datasets. Based on the available data, this variant is classified as pathogenic.

Ambry Genetics
Classification: Pathogenic for Cardiovascular phenotype. Last evaluated: 2024-03-05. Review status: criteria provided, single submitter. Criteria: Ambry Variant Classification Scheme 2023. Collection method: clinical testing. Allele origin: germline.
Comment: The p.R634W pathogenic mutation (also known as c.1900C>T), located in coding exon 9 of the RBM20 gene, results from a C to T substitution at nucleotide position 1900. The arginine at codon 634 is replaced by tryptophan, an amino acid with dissimilar properties. This alteration is located in the highly conserved RSRSP stretch that contains the majority of pathogenic RBM20 mutations (Watanabe T et al. Front Mol Biosci, 2018;5:105). This alteration has been detected in multiple individuals with dilated cardiomyopathy (DCM) and has been reported to segregate with disease in several families (Li D et al. Clin Transl Sci, 2010 Jun;3:90-7; Hazebroek MR et al. Circ Heart Fail, 2018 03;11:e004682; Pantou MP et al. Cardiology, 2018 Dec;141:150-155; van den Hoogenhof MMG et al. Circulation, 2018 09;138:1330-1342; Horvat C et al. Genet. Med., 2019 01;21:133-143; Yao JV et al, 2020 Aug;6:499-502). Functional studies suggest that R634W disrupts the phosphorylation of the RSRSP stretch, causes mislocalization, and leads to diminished splicing regulation activity (Murayama R et al. Sci Rep, 2018 06;8:8970). Another alteration at the same codon, p.R634Q (c.1901G>A), has been detected in individuals with DCM (Li D et al. Clin. Trans. Sci. 2010 Jun;3(3):90-7; Brauch KM et al. J. Am. Coll. Cardiol. 2009 Sep;54(10):930-42). This variant is considered to be rare based on population cohorts in the Genome Aggregation Database (gnomAD). This amino acid position is highly conserved in available vertebrate species. In addition, this alteration is predicted to be deleterious by in silico analysis. Based on the supporting evidence, this alteration is interpreted as a disease-causing mutation.

GeneDx
Classification: Pathogenic. Last evaluated: 2023-06-08. Review status: criteria provided, single submitter. Criteria: GeneDx Variant Classification Process June 2021. Collection method: clinical testing. Allele origin: germline. Affected: yes.
Comment: Reported in multiple unrelated individuals with DCM or left ventricular dysfunction (Li et al, 2010; Refaat et al., 2012; Hazebroek et al., 2018; van Waning et al., 2018; van den Hoogenhof et al., 2018; Pantou et al., 2018; Horvat et al., 2019; Das and Seth, 2021; Liatakis et al., 2021); Not observed at significant frequency in large population cohorts (gnomAD); In silico analysis supports that this missense variant has a deleterious effect on protein structure/function; This variant is associated with the following publications: (PMID: 30847666, 32880476, 33671899, 34021826, 34322310, 30557877, 22004663, 29892087, 20590677, 29540472, 29447731, 29650543, 32674065, 35653365)

Mayo Clinic Laboratories, Mayo Clinic
Classification: Pathogenic. Last evaluated: 2022-03-10. Review status: criteria provided, single submitter. Criteria: ACMG Guidelines, 2015. Collection method: clinical testing. Allele origin: germline. Observed: 1 variant allele.
Comment: PP1_strong, PM1, PM2_supporting, PM5, PS4_moderate

Clinical Genetics Service, Universitary Hospital 12 de Octubre
Classification: Pathogenic for Dilated cardiomyopathy 1DD. Review status: criteria provided, single submitter. Criteria: ACMG Guidelines, 2015. Collection method: clinical testing. Allele origin: germline. Affected: yes.

Clinical Genetics Laboratory, University Hospital Schleswig-Holstein
Classification: Pathogenic for Dilated cardiomyopathy 1DD. Last evaluated: 2024-05-31. Review status: no assertion criteria provided. Collection method: clinical testing. Allele origin: germline. Affected: yes. Not counted in ClinVar's aggregate classification.

Clinical Genetics, Academic Medical Center
Classification: Pathogenic. Review status: no assertion criteria provided. Collection method: clinical testing. Allele origin: germline. Affected: yes. Study: VKGL Data-share Consensus. Not counted in ClinVar's aggregate classification.

Diagnostic Laboratory, Department of Genetics, University Medical Center Groningen
Classification: Pathogenic. Review status: no assertion criteria provided. Collection method: clinical testing. Allele origin: germline. Affected: yes. Study: VKGL Data-share Consensus. Not counted in ClinVar's aggregate classification.

Genome Diagnostics Laboratory, University Medical Center Utrecht
Classification: Likely pathogenic. Review status: no assertion criteria provided. Collection method: clinical testing. Allele origin: germline. Affected: yes. Study: VKGL Data-share Consensus. Not counted in ClinVar's aggregate classification.

Joint Genome Diagnostic Labs from Nijmegen and Maastricht, Radboudumc and MUMC+
Classification: Pathogenic. Review status: no assertion criteria provided. Collection method: clinical testing. Allele origin: germline. Affected: yes. Study: VKGL Data-share Consensus. Not counted in ClinVar's aggregate classification.

Literature cited by the submitters: PubMed 20590677 (cited by 3 submitters); PubMed 29447731 (cited by 3 submitters); PubMed 29540472 (cited by 3 submitters); PubMed 29895960 (cited by 4 submitters); PubMed 30557877 (cited by 4 submitters); PubMed 19712804 (cited by Labcorp Genetics (formerly Invitae), Labcorp and Ambry Genetics); PubMed 22466703 (cited by Labcorp Genetics (formerly Invitae), Labcorp); PubMed 29029073 (cited by Labcorp Genetics (formerly Invitae), Labcorp and Ambry Genetics); PubMed 34021826 (cited by Dasa); PubMed 35463915 (cited by Dasa); PubMed 32674065 (cited by Dasa and Ambry Genetics); PubMed 29650543 (cited by Ambry Genetics and Mayo Clinic Laboratories, Mayo Clinic); PubMed 29892087 (cited by Ambry Genetics and Mayo Clinic Laboratories, Mayo Clinic); PubMed 32817827 (cited by Ambry Genetics); PubMed 30847666 (cited by Mayo Clinic Laboratories, Mayo Clinic); PubMed 32880476 (cited by Mayo Clinic Laboratories, Mayo Clinic).

NM_001134363.3(RBM20):c.1900C>T (p.Arg634Trp)

Gene: RBM20 (RNA binding motif protein 20; plus strand). Cytogenetic location: 10q25.2.
Variant type: single nucleotide variant.
Coding change: c.1900C>T on transcript NM_001134363.3 (MANE Select); coding-DNA position 1900, C replaced by T.
Protein change: p.Arg634Trp; replaces arginine 634 with tryptophan.
Molecular consequence: missense variant.
Genome position (GRCh38, 1-based): chr10:110,812,297, C>T. VCF-style: chr10-110812297-C-T. GRCh37 (hg19) VCF-style: chr10-112572055-C-T.
Other names: p.Arg634Trp; c.1900C>T (LRG_382t1); short protein forms R634W.
Identifiers: ClinVar variation 411653 (VCV000411653.24), dbSNP rs796734066, ClinGen allele CA16613011.